The following is an entry in ClinVar:

NM_014467.3(SRPX2):c.1218-6C>T

Gene: SRPX2 (sushi repeat containing protein X-linked 2; plus strand). Cytogenetic location: Xq22.1.
Variant type: single nucleotide variant.
Coding change: c.1218-6C>T on transcript NM_014467.3 (MANE Select); 6 bases into the intron before coding-DNA position 1218, C replaced by T.
Molecular consequence: intron variant.
Genome position (GRCh38, 1-based): chrX:100,670,801, C>T. VCF-style: chrX-100670801-C-T. GRCh37 (hg19) VCF-style: chrX-99925798-C-T.
Identifiers: ClinVar variation 139325 (VCV000139325.10), dbSNP rs370981134, ClinGen allele CA293767.

ClinVar aggregate classification (germline): Benign. Review status: criteria provided, multiple submitters, no conflicts (2 of 4 stars). 2 submissions from 2 submitters: Benign (2). Last evaluated 2024-02-16.

Conditions:
Rolandic epilepsy, impaired intellectual development, and speech dyspraxia, X-linked. Also called: Rolandic epilepsy, intellectual disability, and speech dyspraxia, X-linked; Rolandic epilepsy, impaired intellectual development, and speech dyspraxia. Identifiers: MedGen C1845070, MONDO:0010388, OMIM 300643.

Allele frequency attached by ClinVar (database versions not stated): gnomAD exomes 0.00003 and 0.00007; ExAC 0.00008; gnomAD 0.00017 and 0.00019; TOPMed 0.00018; ESP Exome Variant Server 0.00019.
gnomAD v4.1: 49 of 1,209,112 alleles (0.0041%); highest among the groups gnomAD compares: African/African-American, 0.079%; no homozygotes.

Submissions (2):

Labcorp Genetics (formerly Invitae), Labcorp
Classification: Benign for Rolandic epilepsy, impaired intellectual development, and speech dyspraxia, X-linked. Last evaluated: 2024-02-16. Review status: criteria provided, single submitter. Criteria: Invitae Variant Classification Sherloc (09022015). Collection method: clinical testing. Allele origin: germline.

GeneDx
Classification: Benign. Last evaluated: 2014-03-12. Review status: criteria provided, single submitter. Criteria: GeneDx Variant Classification (06012015). Collection method: clinical testing. Allele origin: germline. Affected: yes.
Comment: This variant is considered likely benign or benign based on one or more of the following criteria: it is a conservative change, it occurs at a poorly conserved position in the protein, it is predicted to be benign by multiple in silico algorithms, and/or has population frequency not consistent with disease.